The following is an entry in ClinVar:

NM_001384474.1(LOXHD1):c.240C>A (p.Thr80=)

Gene: LOXHD1 (lipoxygenase homology PLAT domains 1; minus strand). Cytogenetic location: 18q21.1.
Variant type: single nucleotide variant.
Coding change: c.240C>A on transcript NM_001384474.1 (MANE Select); coding-DNA position 240, C replaced by A.
Protein change: p.Thr80=; no amino-acid change (threonine 80 retained).
Molecular consequence: synonymous variant.
Genome position (GRCh38, 1-based): chr18:46,649,160, G>T on the plus strand (C>A on the coding strand, the complement: LOXHD1 is on the minus strand). VCF-style: chr18-46649160-G-T. GRCh37 (hg19) VCF-style: chr18-44229123-G-T.
Other names: c.240C>A, p.Thr80= (NM_144612.7); c.240C>A (NM_144612.6).
Identifiers: ClinVar variation 1674757 (VCV001674757.9), dbSNP rs1198958401, ClinGen allele CA503812433.

ClinVar aggregate classification (germline): Likely benign. Review status: criteria provided, multiple submitters, no conflicts (2 of 4 stars). 2 submissions from 2 submitters: Likely benign (2). Last evaluated 2026-07-21.

Conditions:
LOXHD1-related disorder. Also called: LOXHD1-related condition.

Allele frequency attached by ClinVar (database versions not stated): gnomAD exomes 0.00001.
gnomAD v4.1: 6 of 1,551,570 alleles (0.00039%); highest among the groups gnomAD compares: Non-Finnish European, 0.00052%; no homozygotes.

Submissions (2):

PreventionGenetics, part of Exact Sciences
Classification: Likely benign for LOXHD1-related condition. Last evaluated: 2026-07-21. Review status: criteria provided, single submitter. Criteria: ACMG Guidelines, 2015. Collection method: clinical testing. Allele origin: germline.
Comment: This variant is classified as likely benign based on ACMG/AMP sequence variant interpretation guidelines (Richards et al. 2015 PMID: 25741868, with internal and published modifications).

Labcorp Genetics (formerly Invitae), Labcorp
Classification: Likely benign. Last evaluated: 2023-11-02. Review status: criteria provided, single submitter. Criteria: Invitae Variant Classification Sherloc (09022015). Collection method: clinical testing. Allele origin: germline.